The following is an entry in ClinVar:

ClinVar aggregate classification (germline): Uncertain significance (1 of 4 stars; one submission).

Conditions:
Inborn genetic diseases. Identifiers: MedGen C0950123, MeSH D030342.

Submission:

Ambry Genetics
Classification: Uncertain significance for Inborn genetic diseases. Last evaluated: 2024-02-06. Review status: criteria provided, single submitter. Criteria: Ambry Variant Classification Scheme 2023. Collection method: clinical testing. Allele origin: germline.
Comment: The p.H224R variant (also known as c.671A>G), located in coding exon 6 of the LRRK2 gene, results from an A to G substitution at nucleotide position 671. The histidine at codon 224 is replaced by arginine, an amino acid with highly similar properties. This amino acid position is conserved. In addition, this alteration is predicted to be tolerated by in silico analysis. Since supporting evidence is limited at this time, the clinical significance of this alteration remains unclear.

NM_198578.4(LRRK2):c.671A>G (p.His224Arg)

Gene: LRRK2 (leucine rich repeat kinase 2; plus strand). Cytogenetic location: 12q12.
Variant type: single nucleotide variant.
Coding change: c.671A>G on transcript NM_198578.4 (MANE Select); coding-DNA position 671, A replaced by G.
Protein change: p.His224Arg; replaces histidine 224 with arginine.
Molecular consequence: missense variant.
Genome position (GRCh38, 1-based): chr12:40,240,582, A>G. VCF-style: chr12-40240582-A-G. GRCh37 (hg19) VCF-style: chr12-40634384-A-G.
Other names: short protein forms H224R.
Identifiers: ClinVar variation 1755081 (VCV001755081.2), dbSNP rs1555174223, ClinGen allele CA384404878.
Genomic context (GRCh38, chr12:40,240,582, plus strand): 5'-ATTATATGATATTGTTAAGTGCGTTAACAAATTTTAAAGATGAAGAGGAAATTGTGCTTC[A>G]TGTGCTGCATTGTTTACATTCCCTAGCGATTCCTTGTAAGTAGCATTTAAATGTTATTTA-3'
Protein context (NP_940980.4, residues 214-234): NFKDEEEIVL[His224Arg]VLHCLHSLAI